The following is an entry in ClinVar:

ClinVar aggregate classification (germline): Uncertain significance (1 of 4 stars; one submission).

Submission:

GeneDx
Classification: Uncertain significance. Last evaluated: 2026-03-05. Review status: criteria provided, single submitter. Criteria: GeneDx Variant Classification Process June 2021. Collection method: clinical testing. Allele origin: germline.
Comment: Not observed at significant frequency in large population cohorts (gnomAD); In silico analysis supports that this missense variant has a deleterious effect on protein structure/function; Has not been previously published as pathogenic or benign to our knowledge

NM_017780.4(CHD7):c.4919A>G (p.Glu1640Gly)

Gene: CHD7 (chromodomain helicase DNA binding protein 7; plus strand). Cytogenetic location: 8q12.2.
Variant type: single nucleotide variant.
Coding change: c.4919A>G on transcript NM_017780.4 (MANE Select); coding-DNA position 4919, A replaced by G.
Protein change: p.Glu1640Gly; replaces glutamic acid 1640 with glycine.
Molecular consequence: missense variant. On other transcripts: intron variant (1).
Genome position (GRCh38, 1-based): chr8:60,844,932, A>G. VCF-style: chr8-60844932-A-G. GRCh37 (hg19) VCF-style: chr8-61757491-A-G.
Other names: c.1717-17297A>G (NM_001316690.1); short protein forms E1640G.
Identifiers: ClinVar variation 4891327 (VCV004891327.1).